The following is an entry in ClinVar:

NM_004320.6(ATP2A1):c.2239G>A (p.Val747Met)

Gene: ATP2A1 (ATPase sarcoplasmic/endoplasmic reticulum Ca2+ transporting 1; plus strand). Cytogenetic location: 16p11.2.
Variant type: single nucleotide variant.
Coding change: c.2239G>A on transcript NM_004320.6 (MANE Select); coding-DNA position 2239, G replaced by A.
Protein change: p.Val747Met; replaces valine 747 with methionine.
Molecular consequence: missense variant.
Genome position (GRCh38, 1-based): chr16:28,902,001, G>A. VCF-style: chr16-28902001-G-A. GRCh37 (hg19) VCF-style: chr16-28913322-G-A.
Other names: c.2239G>A (NM_173201.4); c.1864G>A, p.Val622Met (NM_001286075.2); c.2239G>A, p.Val747Met (NM_173201.5); short protein forms V747M, V622M.
Identifiers: ClinVar variation 652592 (VCV000652592.10), dbSNP rs550478826, ClinGen allele CA7987202.

ClinVar aggregate classification (germline): Uncertain significance. Review status: criteria provided, multiple submitters, no conflicts (2 of 4 stars). 2 submissions from 2 submitters: Uncertain significance (2). Last evaluated 2024-04-17.

Conditions:
Brody myopathy. Also called: BRODY DISEASE. Identifiers: Orphanet 53347, MedGen C1832918, MONDO:0010977, OMIM 601003.

Allele frequency attached by ClinVar (database versions not stated): TOPMed below 0.00001; ExAC 0.00001; gnomAD 0.00001; gnomAD exomes 0.00001; 1000 Genomes Project 30x 0.00016; 1000 Genomes Project 0.00020.

Submissions (2):

Revvity Omics, Revvity
Classification: Uncertain significance for Brody myopathy. Last evaluated: 2024-04-17. Review status: criteria provided, single submitter. Criteria: ACMG Guidelines, 2015. Collection method: clinical testing. Allele origin: germline.

Labcorp Genetics (formerly Invitae), Labcorp
Classification: Uncertain significance for Brody myopathy. Last evaluated: 2022-07-18. Review status: criteria provided, single submitter. Criteria: Invitae Variant Classification Sherloc (09022015). Collection method: clinical testing. Allele origin: germline.
Comment: This sequence change replaces valine, which is neutral and non-polar, with methionine, which is neutral and non-polar, at codon 747 of the ATP2A1 protein (p.Val747Met). This variant is present in population databases (rs550478826, gnomAD 0.006%). In summary, the available evidence is currently insufficient to determine the role of this variant in disease. Therefore, it has been classified as a Variant of Uncertain Significance. Algorithms developed to predict the effect of missense changes on protein structure and function are either unavailable or do not agree on the potential impact of this missense change (SIFT: "Deleterious"; PolyPhen-2: "Possibly Damaging"; Align-GVGD: "Class C0"). ClinVar contains an entry for this variant (Variation ID: 652592). This variant has not been reported in the literature in individuals affected with ATP2A1-related conditions.